The following is an entry in ClinVar:

ClinVar aggregate classification (germline): Uncertain significance (1 of 4 stars; one submission).

gnomAD v4.1: 4 of 1,613,840 alleles (0.00025%); highest among the groups gnomAD compares: African/African-American, 0.0027%; no homozygotes.

Submission:

Labcorp Genetics (formerly Invitae), Labcorp
Classification: Uncertain significance. Last evaluated: 2024-11-02. Review status: criteria provided, single submitter. Criteria: Invitae Variant Classification Sherloc (09022015). Collection method: clinical testing. Allele origin: germline.
Comment: This sequence change replaces glutamic acid, which is acidic and polar, with lysine, which is basic and polar, at codon 327 of the TAOK2 protein (p.Glu327Lys). This variant is present in population databases (no rsID available, gnomAD 0.01%). This variant has not been reported in the literature in individuals affected with TAOK2-related conditions. An algorithm developed to predict the effect of missense changes on protein structure and function (PolyPhen-2) suggests that this variant is likely to be tolerated. In summary, the available evidence is currently insufficient to determine the role of this variant in disease. Therefore, it has been classified as a Variant of Uncertain Significance.

NM_016151.4(TAOK2):c.979G>A (p.Glu327Lys)

Gene: TAOK2 (TAO kinase 2; plus strand). Cytogenetic location: 16p11.2.
Variant type: single nucleotide variant.
Coding change: c.979G>A on transcript NM_016151.4 (MANE Select); coding-DNA position 979, G replaced by A.
Protein change: p.Glu327Lys; replaces glutamic acid 327 with lysine.
Molecular consequence: missense variant.
Genome position (GRCh38, 1-based): chr16:29,982,881, G>A. VCF-style: chr16-29982881-G-A. GRCh37 (hg19) VCF-style: chr16-29994202-G-A.
Other names: c.979G>A, p.Glu327Lys (NM_001252043.2, NM_004783.4); short protein forms E327K.
Identifiers: ClinVar variation 3685202 (VCV003685202.2).